The following is an entry in ClinVar:

ClinVar aggregate classification (germline): Pathogenic. Review status: criteria provided, multiple submitters, no conflicts (2 of 4 stars). 3 submissions from 3 submitters: Pathogenic (3). Last evaluated 2024-03-07.

Conditions:
Polycystic kidney disease, adult type (PKD1). Also called: Polycystic Kidney Disease 1, Autosomal Dominant; Polycystic kidney disease 1; Polycystic kidney disease 1, severe; POLYCYSTIC KIDNEY DISEASE 1 WITH OR WITHOUT POLYCYSTIC LIVER DISEASE; POLYCYSTIC KIDNEY DISEASE, ADULT, TYPE I; Polycystic Kidney, Autosomal Dominant. Identifiers: MedGen C3149841, MONDO:0008263, OMIM 173900.

Submissions (3):

Fulgent Genetics
Classification: Pathogenic for Polycystic kidney disease, adult type. Last evaluated: 2024-03-07. Review status: criteria provided, single submitter. Criteria: ACMG Guidelines, 2015. Collection method: clinical testing. Allele origin: germline.

Victorian Clinical Genetics Services, Murdoch Childrens Research Institute
Classification: Pathogenic for Polycystic kidney disease, adult type. Last evaluated: 2023-07-17. Review status: criteria provided, single submitter. Criteria: ACMG Guidelines, 2015. Collection method: clinical testing. Allele origin: germline. Inheritance: Autosomal dominant inheritance. Affected: yes.
Comment: Based on the classification scheme VCGS_Germline_v1.3.4, this variant is classified as Pathogenic. Following criteria are met: 0102 - Loss of function is a known mechanism of disease in this gene and is associated with polycystic kidney disease 1 (MIM#173900). (I) 0107 - This gene is associated with autosomal dominant disease. Polycystic kidney disease 1 (MIM#173900) is predominantly caused by monoallelic variants, with rare reports of biallelic variants causing disease (OMIM). (I) 0201 - Variant is predicted to cause nonsense-mediated decay (NMD) and loss of protein (premature termination codon is located at least 54 nucleotides upstream of the final exon-exon junction). (SP) 0251 - This variant is heterozygous. (I) 0301 - Variant is absent from gnomAD (both v2 and v3). (SP) 0701 - Other NMD-predicted variants comparable to the one identified in this case have very strong previous evidence for pathogenicity. These variants have been reported many times as pathogenic (DECIPHER). (SP) 0803 - This variant has limited previous evidence of pathogenicity in an unrelated individual. This variant has been reported once as pathogenic (LOVD). (SP) 0905 - No published segregation evidence has been identified for this variant. (I) 1007 - No published functional evidence has been identified for this variant. (I) 1208 - Inheritance information for this variant is not currently available in this individual. (I) Legend: (SP) - Supporting pathogenic, (I) - Information, (SB) - Supporting benign

Juno Genomics, Hangzhou Juno Genomics, Inc
Classification: Pathogenic for Polycystic kidney disease, adult type. Review status: criteria provided, single submitter. Criteria: ACMG Guidelines, 2015. Collection method: clinical testing. Allele origin: germline. Affected: yes.
Comment: Absent from controls (or at extremely low frequency if recessive) in Genome Aggregation Database, Exome Sequencing Project, 1000 Genomes Project, or Exome Aggregation Consortium.;Null variant in a gene where loss of function (LOF) is a known mechanism of disease.

NM_001009944.3(PKD1):c.673_674del (p.Ser225fs)

Gene: PKD1 (polycystin 1, transient receptor potential channel interacting; minus strand). Cytogenetic location: 16p13.3.
Variant type: Microsatellite.
Coding change: c.673_674del on transcript NM_001009944.3 (MANE Select); coding-DNA positions 673 to 674, 2 bases deleted (TC; older notation c.673_674delTC).
Protein change: p.Ser225fs; shifts the reading frame from serine 225.
Molecular consequence: frameshift variant.
Genome position (GRCh38, 1-based): chr16:2,118,318-2,118,319, GA deleted on the plus strand (TC on the coding strand, the reverse complement: PKD1 is on the minus strand); deleting any 2 consecutive bases within chr16:2,118,318-2,118,322 gives the same sequence; the c. name uses the placement nearest the transcript's 3' end. VCF-style (leftmost placement, unchanged base first): chr16-2118317-CGA-C. GRCh37 (hg19) VCF-style: chr16-2168318-CGA-C.
Other names: c.673_674del, p.Ser225fs (NM_000296.4); c.670_671CT[1], p.Ser225Glyfs (NM_001009944.2); c.673_674delTC (NM_001009944.2); c.673_674del (NM_001009944.2); short protein forms S225fs.
Identifiers: ClinVar variation 3254860 (VCV003254860.4), dbSNP rs2544880396.